The following is an entry in ClinVar:

NM_001009944.3(PKD1):c.843C>T (p.His281=)

Gene: PKD1 (polycystin 1, transient receptor potential channel interacting; minus strand). Cytogenetic location: 16p13.3.
Variant type: single nucleotide variant.
Coding change: c.843C>T on transcript NM_001009944.3 (MANE Select); coding-DNA position 843, C replaced by T.
Protein change: p.His281=; no amino-acid change (histidine 281 retained).
Molecular consequence: synonymous variant.
Genome position (GRCh38, 1-based): chr16:2,118,149, G>A on the plus strand (C>T on the coding strand, the complement: PKD1 is on the minus strand). VCF-style: chr16-2118149-G-A. GRCh37 (hg19) VCF-style: chr16-2168150-G-A.
Other names: c.843C>T, p.His281= (NM_000296.4).
Identifiers: ClinVar variation 3032766 (VCV003032766.3), dbSNP rs760237424, ClinGen allele CA7833655.

ClinVar aggregate classification (germline): Likely benign. Review status: criteria provided, single submitter (1 of 4 stars). 2 submissions from 2 submitters: Likely benign (1). 1 of the submissions does not count toward it. Last evaluated 2021-04-20.

Conditions:
Polycystic kidney disease, adult type (PKD1). Also called: POLYCYSTIC KIDNEY DISEASE 1 WITH OR WITHOUT POLYCYSTIC LIVER DISEASE; POLYCYSTIC KIDNEY DISEASE, ADULT, TYPE I; Polycystic Kidney Disease 1, Autosomal Dominant; Polycystic kidney disease 1; Polycystic kidney disease 1, severe; Polycystic Kidney, Autosomal Dominant. Identifiers: MedGen C3149841, MONDO:0008263, OMIM 173900.
PKD1-related disorder. Also called: PKD1-related condition.

Allele frequency attached by ClinVar (database versions not stated): ExAC 0.00008.
gnomAD v4.1: 56 of 1,587,030 alleles (0.0035%); highest among the groups gnomAD compares: African/African-American, 0.031%; no homozygotes.

Submissions (2):

Department of Pathology and Laboratory Medicine, Sinai Health System
Classification: Likely benign for Polycystic kidney disease, adult type. Last evaluated: 2021-04-20. Review status: criteria provided, single submitter. Criteria: ACMG Guidelines, 2015. Collection method: clinical testing. Allele origin: germline. Affected: yes.

PreventionGenetics, part of Exact Sciences
Classification: Likely benign for PKD1-related condition. Last evaluated: 2023-08-17. Review status: no assertion criteria provided. Collection method: clinical testing. Allele origin: germline. Not counted in ClinVar's aggregate classification.
Comment: This variant is classified as likely benign based on ACMG/AMP sequence variant interpretation guidelines (Richards et al. 2015 PMID: 25741868, with internal and published modifications).